The following is an entry in ClinVar:

ClinVar aggregate classification (germline): Uncertain significance (1 of 4 stars; one submission).

Conditions:
Severe combined immunodeficiency due to DNA-PKcs deficiency. Also called: IMMUNODEFICIENCY 26 WITH NEUROLOGIC ABNORMALITIES; Immunodeficiency 26 with or without neurologic abnormalities. Identifiers: Orphanet 317425, MedGen C4014833, MONDO:0014423, OMIM 615966.

Submission:

Labcorp Genetics (formerly Invitae), Labcorp
Classification: Uncertain significance for Severe combined immunodeficiency due to DNA-PKcs deficiency. Last evaluated: 2026-01-08. Review status: criteria provided, single submitter. Criteria: Invitae Variant Classification Sherloc (09022015). Collection method: clinical testing. Allele origin: germline.
Comment: This sequence change replaces methionine, which is neutral and non-polar, with isoleucine, which is neutral and non-polar, at codon 189 of the PRKDC protein (p.Met189Ile). This variant is not present in population databases (gnomAD no frequency). This variant has not been reported in the literature in individuals affected with PRKDC-related conditions. Invitae Evidence Modeling of protein sequence and biophysical properties (such as structural, functional, and spatial information, amino acid conservation, physicochemical variation, residue mobility, and thermodynamic stability) indicates that this missense variant is not expected to disrupt PRKDC protein function with a negative predictive value of 80%. In summary, the available evidence is currently insufficient to determine the role of this variant in disease. Therefore, it has been classified as a Variant of Uncertain Significance.

NM_006904.7(PRKDC):c.567G>A (p.Met189Ile)

Gene: PRKDC (protein kinase, DNA-activated, catalytic subunit; minus strand). Cytogenetic location: 8q11.21.
Variant type: single nucleotide variant.
Coding change: c.567G>A on transcript NM_006904.7 (MANE Select); coding-DNA position 567, G replaced by A.
Protein change: p.Met189Ile; replaces methionine 189 with isoleucine.
Molecular consequence: missense variant.
Genome position (GRCh38, 1-based): chr8:47,953,861, C>T on the plus strand (G>A on the coding strand, the complement: PRKDC is on the minus strand). VCF-style: chr8-47953861-C-T. GRCh37 (hg19) VCF-style: chr8-48866421-C-T.
Other names: c.567G>A, p.Met189Ile (NM_001081640.2); short protein forms M189I.
Identifiers: ClinVar variation 4744101 (VCV004744101.1).